The following is an entry in ClinVar:

NM_000169.3(GLA):c.476T>A (p.Phe159Tyr)

Genes: GLA (galactosidase alpha; minus strand), RPL36A-HNRNPH2 (RPL36A-HNRNPH2 readthrough; plus strand). Cytogenetic location: Xq22.1.
Variant type: single nucleotide variant.
Coding change: c.476T>A on transcript NM_000169.3 (MANE Select); coding-DNA position 476, T replaced by A.
Protein change: p.Phe159Tyr; replaces phenylalanine 159 with tyrosine.
Molecular consequence: missense variant. On other transcripts: non-coding transcript variant (3), intron variant (2).
Genome position (GRCh38, 1-based): chrX:101,401,703, A>T on the plus strand (T>A on the coding strand, the complement: GLA is on the minus strand). VCF-style: chrX-101401703-A-T. GRCh37 (hg19) VCF-style: chrX-100656691-A-T.
Other names: c.599T>A, p.Phe200Tyr (NM_001406747.1, NM_001406749.1); c.476T>A, p.Phe159Tyr (NM_001406748.1); c.300+6246A>T (NM_001199973.2); c.177+9881A>T (NM_001199974.2); short protein forms F159Y, F200Y.
Identifiers: ClinVar variation 2568395 (VCV002568395.2), dbSNP rs1555985814, ClinGen allele CA413929352.

ClinVar aggregate classification (germline): Uncertain significance (1 of 4 stars; one submission).

Conditions:
Cardiovascular phenotype. Identifiers: MedGen CN230736.

Submission:

Ambry Genetics
Classification: Uncertain significance for Cardiovascular phenotype. Last evaluated: 2023-03-22. Review status: criteria provided, single submitter. Criteria: Ambry Variant Classification Scheme 2023. Collection method: clinical testing. Allele origin: germline.
Comment: The p.F159Y variant (also known as c.476T>A), located in coding exon 3 of the GLA gene, results from a T to A substitution at nucleotide position 476. The phenylalanine at codon 159 is replaced by tyrosine, an amino acid with highly similar properties. This amino acid position is highly conserved in available vertebrate species. In addition, this alteration is predicted to be deleterious by in silico analysis. Since supporting evidence is limited at this time, the clinical significance of this alteration remains unclear.